The following is an entry in ClinVar:

ClinVar aggregate classification (germline): Uncertain significance (1 of 4 stars; one submission).

Submission:

Women's Health and Genetics/Laboratory Corporation of America, LabCorp
Classification: Uncertain significance. Last evaluated: 2025-10-15. Review status: criteria provided, single submitter. Criteria: LabCorp Variant Classification Summary - May 2015. Collection method: clinical testing. Allele origin: germline.
Comment: Variant summary: SPECC1L c.1999A>G (p.Met667Val) results in a conservative amino acid change in the encoded protein sequence. Algorithms developed to predict the effect of missense changes on protein structure and function all suggest that this variant is likely to be tolerated. The variant was absent in 251162 control chromosomes. The available data on variant occurrences in the general population are insufficient to allow any conclusion about variant significance. To our knowledge, no occurrence of c.1999A>G in individuals affected with SPECC1L-related conditions and no experimental evidence demonstrating its impact on protein function have been reported. No submitters have cited clinical-significance assessments for this variant to ClinVar. Based on the evidence outlined above, the variant was classified as uncertain significance.

NM_015330.6(SPECC1L):c.1999A>G (p.Met667Val)

Genes: SPECC1L (sperm antigen with calponin homology and coiled-coil domains 1 like; plus strand), SPECC1L-ADORA2A (SPECC1L-ADORA2A readthrough (NMD candidate); plus strand). Cytogenetic location: 22q11.23.
Variant type: single nucleotide variant.
Coding change: c.1999A>G on transcript NM_015330.6 (MANE Select); coding-DNA position 1999, A replaced by G.
Protein change: p.Met667Val; replaces methionine 667 with valine.
Molecular consequence: missense variant. On other transcripts: non-coding transcript variant (1).
Genome position (GRCh38, 1-based): chr22:24,324,280, A>G. VCF-style: chr22-24324280-A-G. GRCh37 (hg19) VCF-style: chr22-24720248-A-G.
Other names: c.1999A>G, p.Met667Val (NM_001145468.4, NM_001254732.3); short protein forms M667V.
Identifiers: ClinVar variation 4687280 (VCV004687280.1).
Genomic context (GRCh38, chr22:24,324,280, plus strand): 5'-GTAGAGGATGAATACCGAGCCTTCCAAGAAGAAGCTAAGAAACAAATTGAAGATTTGAAT[A>G]TGACGTTAGAAAAATTAAGATCAGACCTGGATGAAAAAGAAACAGAAAGGAGTGACATGA-3'
Protein context (NP_056145.5, residues 657-677): EAKKQIEDLN[Met667Val]TLEKLRSDLD